The following is an entry in ClinVar:

ClinVar aggregate classification (germline): Uncertain significance. Review status: criteria provided, multiple submitters, no conflicts (2 of 4 stars). 2 submissions from 2 submitters: Uncertain significance (2). Last evaluated 2023-02-13.

Allele frequency attached by ClinVar (database versions not stated): gnomAD exomes below 0.00001; gnomAD 0.00001; TOPMed 0.00001.

Submissions (2):

Labcorp Genetics (formerly Invitae), Labcorp
Classification: Uncertain significance. Last evaluated: 2023-02-13. Review status: criteria provided, single submitter. Criteria: Invitae Variant Classification Sherloc (09022015). Collection method: clinical testing. Allele origin: germline.
Comment: In summary, the available evidence is currently insufficient to determine the role of this variant in disease. Therefore, it has been classified as a Variant of Uncertain Significance. Experimental studies and prediction algorithms are not available or were not evaluated, and the functional significance of this variant is currently unknown. ClinVar contains an entry for this variant (Variation ID: 1691656). This variant has not been reported in the literature in individuals affected with KCNK4-related conditions. This variant is not present in population databases (gnomAD no frequency). This sequence change replaces proline, which is neutral and non-polar, with leucine, which is neutral and non-polar, at codon 362 of the KCNK4 protein (p.Pro362Leu).

GeneDx
Classification: Uncertain significance. Last evaluated: 2022-06-10. Review status: criteria provided, single submitter. Criteria: GeneDx Variant Classification Process June 2021. Collection method: clinical testing. Allele origin: germline. Affected: yes.
Comment: Not observed in large population cohorts (gnomAD); In silico analysis supports that this missense variant does not alter protein structure/function; Has not been previously published as pathogenic or benign to our knowledge

NM_033310.3(KCNK4):c.1085C>T (p.Pro362Leu)

Genes: KCNK4 (potassium two pore domain channel subfamily K member 4; plus strand), KCNK4-CATSPERZ (KCNK4-CATSPERZ readthrough (NMD candidate); plus strand). Cytogenetic location: 11q13.1.
Variant type: single nucleotide variant.
Coding change: c.1085C>T on transcript NM_033310.3 (MANE Select); coding-DNA position 1085, C replaced by T.
Protein change: p.Pro362Leu; replaces proline 362 with leucine.
Molecular consequence: missense variant. On other transcripts: non-coding transcript variant (3).
Genome position (GRCh38, 1-based): chr11:64,299,629, C>T. VCF-style: chr11-64299629-C-T. GRCh37 (hg19) VCF-style: chr11-64067101-C-T.
Other names: c.1085C>T, p.Pro362Leu (NM_001317090.2); short protein forms P362L.
Identifiers: ClinVar variation 1691656 (VCV001691656.6), dbSNP rs1034560077, ClinGen allele CA223824534.
Genomic context (GRCh38, chr11:64,299,629, plus strand): 5'-AGAACCTGGCCTTCATCGACGAGTCCTCGGATACGCAGAGCGAGCGCGGCTGCCCGCTGC[C>T]CCGCGCGCCGAGAGGTCGCCGCCGCCCAAATCCCCCCAGGAAGCCCGTGCGGCCCCGCGG-3'
Protein context (NP_201567.1, residues 352-372): DTQSERGCPL[Pro362Leu]RAPRGRRRPN